The following is an entry in ClinVar:

ClinVar aggregate classification (germline): Benign (0 of 4 stars; one submission).

Conditions:
MUC16-related disorder. Also called: MUC16-related condition.

Allele frequency attached by ClinVar (database versions not stated): gnomAD exomes 0.00015; ExAC 0.00050; 1000 Genomes Project 30x 0.00094; 1000 Genomes Project 0.00100; ESP Exome Variant Server 0.00141; gnomAD 0.00206; TOPMed 0.00234.

Submission:

PreventionGenetics, part of Exact Sciences
Classification: Benign for MUC16-related condition. Last evaluated: 2019-06-06. Review status: no assertion criteria provided. Collection method: clinical testing. Allele origin: germline.
Comment: This variant is classified as benign based on ACMG/AMP sequence variant interpretation guidelines (Richards et al. 2015 PMID: 25741868, with internal and published modifications).

NM_001401501.2(MUC16):c.8446T>G (p.Ser2816Ala)

Gene: MUC16 (mucin 16, cell surface associated; minus strand). Cytogenetic location: 19p13.2.
Variant type: single nucleotide variant.
Coding change: c.8446T>G on transcript NM_001401501.2 (MANE Select); coding-DNA position 8446, T replaced by G.
Protein change: p.Ser2816Ala; replaces serine 2816 with alanine.
Molecular consequence: missense variant.
Genome position (GRCh38, 1-based): chr19:8,972,813, A>C on the plus strand (T>G on the coding strand, the complement: MUC16 is on the minus strand). VCF-style: chr19-8972813-A-C. GRCh37 (hg19) VCF-style: chr19-9083489-A-C.
Other names: c.8872T>G, p.Ser2958Ala (NM_001414686.1); c.8326T>G, p.Ser2776Ala (NM_001414687.1, NM_024690.2); short protein forms S2776A, S2816A, S2958A.
Identifiers: ClinVar variation 3043851 (VCV003043851.2), dbSNP rs201717402, ClinGen allele CA9171991.